The following is an entry in ClinVar:

ClinVar aggregate classification (germline): Conflicting classifications of pathogenicity. Review status: criteria provided, conflicting classifications (1 of 4 stars). 3 submissions from 3 submitters: Uncertain significance (1); Likely benign (2). Last evaluated 2026-07-01.

Conditions:
Bethlem myopathy 1A. Also called: Bethlem Muscular Dystrophy; MYOPATHY, BENIGN CONGENITAL, WITH CONTRACTURES; Bethlem myopathy 1. Identifiers: Orphanet 610, MedGen CN029274, MONDO:0024530, OMIM 158810.

Allele frequency attached by ClinVar (database versions not stated): TOPMed 0.00003; ESP Exome Variant Server 0.00015.
gnomAD v4.1: 66 of 1,612,866 alleles (0.0041%); highest among the groups gnomAD compares: Admixed American, 0.0083%; no homozygotes.

Submissions (3):

CeGaT Center for Human Genetics Tuebingen
Classification: Likely benign. Last evaluated: 2026-07-01. Review status: criteria provided, single submitter. Criteria: CeGaT Center For Human Genetics Tuebingen Variant Classification Criteria Version 2. Collection method: clinical testing. Allele origin: germline. Affected: yes. Observed: 1 variant allele.
Comment: COL6A2: BP4, BP7

Labcorp Genetics (formerly Invitae), Labcorp
Classification: Likely benign for Bethlem myopathy 1A. Last evaluated: 2025-01-23. Review status: criteria provided, single submitter. Criteria: Invitae Variant Classification Sherloc (09022015). Collection method: clinical testing. Allele origin: germline.

Eurofins Ntd Llc (ga)
Classification: Uncertain significance. Last evaluated: 2016-02-16. Review status: criteria provided, single submitter. Criteria: EGL Classification Definitions 2015. Collection method: clinical testing. Allele origin: germline. Observed: 1 variant allele, 1 heterozygote.

NM_001849.4(COL6A2):c.1095G>A (p.Glu365=)

Gene: COL6A2 (collagen type VI alpha 2 chain; plus strand). Cytogenetic location: 21q22.3.
Variant type: single nucleotide variant.
Coding change: c.1095G>A on transcript NM_001849.4 (MANE Select); coding-DNA position 1095, G replaced by A.
Protein change: p.Glu365=; no amino-acid change (glutamic acid 365 retained).
Molecular consequence: synonymous variant.
Genome position (GRCh38, 1-based): chr21:46,117,915, G>A. VCF-style: chr21-46117915-G-A. GRCh37 (hg19) VCF-style: chr21-47537829-G-A.
Other names: c.1095G>A, p.Glu365= (NM_058174.3, NM_058175.3).
Identifiers: ClinVar variation 286272 (VCV000286272.15), dbSNP rs374673302, ClinGen allele CA10071685.